The following is an entry in ClinVar:

ClinVar aggregate classification (germline): Pathogenic (1 of 4 stars; one submission).

Submission:

GeneDx
Classification: Pathogenic. Last evaluated: 2016-09-12. Review status: criteria provided, single submitter. Criteria: GeneDx Variant Classification (06012015). Collection method: clinical testing. Allele origin: germline. Affected: yes.
Comment: The Q998X variant in the CHD8 gene has not been reported previously as a pathogenic variant nor as a benign variant, to our knowledge. This variant is predicted to cause loss of normal protein function either through protein truncation or nonsense-mediated mRNA decay. The Q998X variant was not observed in approximately 6000 individuals of European and African American ancestry in the NHLBI Exome Sequencing Project, indicating it is not a common benign variant in these populations. Therefore, we interpret Q998X as a pathogenic variant.

NM_001170629.2(CHD8):c.2992C>T (p.Gln998Ter)

Gene: CHD8 (chromodomain helicase DNA binding protein 8; minus strand). Cytogenetic location: 14q11.2.
Variant type: single nucleotide variant.
Coding change: c.2992C>T on transcript NM_001170629.2 (MANE Select); coding-DNA position 2992, C replaced by T.
Protein change: p.Gln998Ter; replaces glutamine 998 with a stop codon.
Molecular consequence: nonsense.
Genome position (GRCh38, 1-based): chr14:21,405,780, G>A on the plus strand (C>T on the coding strand, the complement: CHD8 is on the minus strand). VCF-style: chr14-21405780-G-A. GRCh37 (hg19) VCF-style: chr14-21873939-G-A.
Other names: c.2155C>T, p.Gln719Ter (NM_020920.4); short protein forms Q719*, Q998*.
Identifiers: ClinVar variation 280830 (VCV000280830.2), dbSNP rs886041968, ClinGen allele CA10603396.
Genomic context (GRCh38, chr14:21,405,780, plus strand): 5'-CCTGTTCCTCTGTCTTGAGATCCCCAAAGTCCTTGAGAAACTCTGATTCTGAGGGAAATT[G>A]TGACGGTTCCAAGAAATGAAGCAAGCTAAACAGTTCTTCTACAGTATTTTGCAATGGTGT-3'